The following is an entry in ClinVar:

NM_004281.4(BAG3):c.1289A>T (p.Glu430Val)

Gene: BAG3 (BAG cochaperone 3; plus strand). Cytogenetic location: 10q26.11.
Variant type: single nucleotide variant.
Coding change: c.1289A>T on transcript NM_004281.4 (MANE Select); coding-DNA position 1289, A replaced by T.
Protein change: p.Glu430Val; replaces glutamic acid 430 with valine.
Molecular consequence: missense variant.
Genome position (GRCh38, 1-based): chr10:119,676,843, A>T. VCF-style: chr10-119676843-A-T. GRCh37 (hg19) VCF-style: chr10-121436355-A-T.
Other names: short protein forms E430V.
Identifiers: ClinVar variation 1472641 (VCV001472641.8), dbSNP rs748744340, ClinGen allele CA5716529.

ClinVar aggregate classification (germline): Uncertain significance (1 of 4 stars; one submission).

Conditions:
Dilated cardiomyopathy 1HH (CMD1HH). Identifiers: Orphanet 154, MedGen C3151293, MONDO:0013479, OMIM 613881.
Myofibrillar myopathy 6. Identifiers: Orphanet 199340, MedGen C2751831, MONDO:0013061, OMIM 612954.

Allele frequency attached by ClinVar (database versions not stated): gnomAD exomes below 0.00001; TOPMed below 0.00001; ExAC 0.00001; gnomAD 0.00001.
gnomAD v4.1: 1 of 1,614,048 alleles (0.000062%); highest among the groups gnomAD compares: Non-Finnish European, 0.000085%; no homozygotes.

Submission:

Labcorp Genetics (formerly Invitae), Labcorp
Classification: Uncertain significance for Dilated cardiomyopathy 1HH; Myofibrillar myopathy 6. Last evaluated: 2021-08-31. Review status: criteria provided, single submitter. Criteria: Invitae Variant Classification Sherloc (09022015). Collection method: clinical testing. Allele origin: germline.
Comment: This sequence change replaces glutamic acid with valine at codon 430 of the BAG3 protein (p.Glu430Val). The glutamic acid residue is moderately conserved and there is a moderate physicochemical difference between glutamic acid and valine. This variant is present in population databases (rs748744340, ExAC 0.002%). This variant has not been reported in the literature in individuals with BAG3-related conditions. Algorithms developed to predict the effect of missense changes on protein structure and function are either unavailable or do not agree on the potential impact of this missense change (SIFT: "Deleterious"; PolyPhen-2: "Not Available"; Align-GVGD: "Class C15"). Algorithms developed to predict the effect of sequence changes on RNA splicing suggest that this variant may create or strengthen a splice site, but this prediction has not been confirmed by published transcriptional studies. In summary, the available evidence is currently insufficient to determine the role of this variant in disease. Therefore, it has been classified as a Variant of Uncertain Significance.